The following is an entry in ClinVar:

NM_001111125.3(IQSEC2):c.3817C>T (p.Gln1273Ter)

Gene: IQSEC2 (IQ motif and Sec7 domain ArfGEF 2; minus strand). Cytogenetic location: Xp11.22.
Variant type: single nucleotide variant.
Coding change: c.3817C>T on transcript NM_001111125.3 (MANE Select); coding-DNA position 3817, C replaced by T.
Protein change: p.Gln1273Ter; replaces glutamine 1273 with a stop codon.
Molecular consequence: nonsense. On other transcripts: 3 prime UTR variant (1).
Genome position (GRCh38, 1-based): chrX:53,234,869, G>A on the plus strand (C>T on the coding strand, the complement: IQSEC2 is on the minus strand). VCF-style: chrX-53234869-G-A. GRCh37 (hg19) VCF-style: chrX-53264051-G-A.
Other names: c.*302C>T (NM_015075.2); short protein forms Q1273*.
Identifiers: ClinVar variation 599452 (VCV000599452.6), dbSNP rs1569291699, ClinGen allele CA413140655.

ClinVar aggregate classification (germline): Likely pathogenic (1 of 4 stars; one submission).

Conditions:
Intellectual developmental disorder, X-linked 1. Also called: MENTAL RETARDATION, X-LINKED 18; MENTAL RETARDATION, X-LINKED 78; Atkin Flaitz Patil Smith syndrome; Intellectual disability, X-linked 1. Identifiers: Orphanet 777, MedGen C2931498, MONDO:0010656, OMIM 309530.

Submission:

Institute for Genomic Medicine (IGM) Clinical Laboratory, Nationwide Children's Hospital
Classification: Likely pathogenic for Intellectual developmental disorder, X-linked 1. Last evaluated: 2017-12-11. Review status: criteria provided, single submitter. Criteria: ACMG Guidelines, 2015. Collection method: clinical testing. Allele origin: germline. Affected: yes.
Comment: PVS1, PM2; This variant leads to a stop codon at amino acid 1273 (of 1488 in the full length protein), likely leading to a null protein [ACMG: PVS1]. Multiple loss of function pathogenic variants have been described, even farther into the protein, consistent with this variant likely being pathogenic. This variant is not present in population databases [ACMG: PM2]. This variant is therefore classified as likely pathogenic.